The following is an entry in ClinVar:

NM_000414.4(HSD17B4):c.1136T>A (p.Val379Asp)

Gene: HSD17B4 (hydroxysteroid 17-beta dehydrogenase 4; plus strand). Cytogenetic location: 5q23.1.
Variant type: single nucleotide variant.
Coding change: c.1136T>A on transcript NM_000414.4 (MANE Select); coding-DNA position 1136, T replaced by A.
Protein change: p.Val379Asp; replaces valine 379 with aspartic acid.
Molecular consequence: missense variant. On other transcripts: non-coding transcript variant (2).
Genome position (GRCh38, 1-based): chr5:119,499,480, T>A. VCF-style: chr5-119499480-T-A. GRCh37 (hg19) VCF-style: chr5-118835175-T-A.
Other names: c.1211T>A, p.Val404Asp (NM_001199291.3); c.1082T>A, p.Val361Asp (NM_001199292.2); c.1064T>A, p.Val355Asp (NM_001292027.2); c.716T>A, p.Val239Asp (NM_001292028.2); c.1127T>A, p.Val376Asp (NM_001374497.1); c.1136T>A, p.Val379Asp (NM_001374498.1); c.809T>A, p.Val270Asp (NM_001374499.1); c.695T>A, p.Val232Asp (NM_001374500.1); and 1 more; short protein forms V232D, V239D, V242D, V361D, V376D, V404D, V270D, V355D.
Identifiers: ClinVar variation 1365932 (VCV001365932.8), dbSNP rs1750957000, ClinGen allele CA360868205.

ClinVar aggregate classification (germline): Uncertain significance (1 of 4 stars; one submission).

Conditions:
Perrault syndrome. Also called: Gonadal dysgenesis with auditory dysfunction, autosomal recessive inheritance. Identifiers: Orphanet 2855, MedGen C0685838, MONDO:0017312.
Bifunctional peroxisomal enzyme deficiency (DBIF). Also called: D-bifunctional protein deficiency; DBP DEFICIENCY; PBFE DEFICIENCY. Identifiers: Orphanet 300, MedGen C0342870, MONDO:0009855, OMIM 261515. Disease mechanism: loss of function.

Allele frequency attached by ClinVar (database versions not stated): gnomAD exomes 0.00001.
gnomAD v4.1: 8 of 1,613,864 alleles (0.0005%); highest among the groups gnomAD compares: Non-Finnish European, 0.00059%; no homozygotes.

Submission:

Labcorp Genetics (formerly Invitae), Labcorp
Classification: Uncertain significance for Perrault syndrome; Bifunctional peroxisomal enzyme deficiency. Last evaluated: 2021-07-04. Review status: criteria provided, single submitter. Criteria: Invitae Variant Classification Sherloc (09022015). Collection method: clinical testing. Allele origin: germline.
Comment: This sequence change replaces valine with aspartic acid at codon 379 of the HSD17B4 protein (p.Val379Asp). The valine residue is highly conserved and there is a large physicochemical difference between valine and aspartic acid. This variant is not present in population databases (ExAC no frequency). This variant has not been reported in the literature in individuals affected with HSD17B4-related conditions. Advanced modeling of protein sequence and biophysical properties (such as structural, functional, and spatial information, amino acid conservation, physicochemical variation, residue mobility, and thermodynamic stability) performed at Invitae indicates that this missense variant is expected to disrupt HSD17B4 protein function. In summary, the available evidence is currently insufficient to determine the role of this variant in disease. Therefore, it has been classified as a Variant of Uncertain Significance.